The following is an entry in ClinVar:

ClinVar aggregate classification (germline): Pathogenic. Review status: criteria provided, multiple submitters, no conflicts (2 of 4 stars). 4 submissions from 4 submitters: Pathogenic (4). Last evaluated 2026-06-29.

Conditions:
Hereditary cancer-predisposing syndrome. Also called: Tumor predisposition; Neoplastic Syndromes, Hereditary; Hereditary Cancer Syndrome; Hereditary neoplastic syndrome. Identifiers: Orphanet 140162, MedGen C0027672, MeSH D009386, MONDO:0015356.
Hereditary leiomyomatosis and renal cell cancer. Also called: Reed syndrome; Multiple cutaneous and uterine leiomyomatosis; Cutaneous leiomyomata with uterine leiomyomata; Leiomyoma, hereditary multiple, of skin; Multiple cutaneous and uterine leiomyomata; LEIOMYOMA, MULTIPLE CUTANEOUS. Identifiers: Orphanet 523, MedGen C1708350, MONDO:0007888, OMIM 150800, HP:0007437. Disease mechanism: loss of function.

Submissions (4):

Ambry Genetics
Classification: Pathogenic for Hereditary cancer-predisposing syndrome. Last evaluated: 2026-06-29. Review status: criteria provided, single submitter. Criteria: Ambry Variant Classification Scheme 2023. Collection method: clinical testing. Allele origin: germline.
Comment: The c.267+1G>C intronic pathogenic mutation results from a G to C substitution one nucleotide after coding exon 2 of the FH gene. Alterations that disrupt the canonical splice site are expected to cause aberrant splicing. In silico splice site analysis predicts that this alteration will weaken the native splice donor site and will result in the creation or strengthening of a novel splice donor site. RNA studies have demonstrated that this variant results in abnormal splicing in the set of samples tested (Ambry internal data). The resulting transcript is predicted to be in-frame and is not expected to trigger nonsense-mediated mRNAdecay. The exact effect of the altered amino acid sequence is unknown; however, the impacted region is considered critical for protein function (Ambry internal data). This alteration has been reported in multiple individuals with FH-associated disease including an individual with a clinical diagnosis of HLRCC, an individual with an FH-deficient renal cell carcinoma and an affected individual whose lymphoblastoid cells demonstrated reduced FH enzyme activity (Wei MH et al. J Med Genet. 2006 Jan;43:18-27; Zhang L et al. Hum Mutat. 2020 01;41:103-109; Pithukpakorn M et al. J Med Genet. 2006 Sep;43:755-62). This alteration is also referred to as c.138+1G>C in the literature. This variant is considered to be rare based on population cohorts in the Genome Aggregation Database (gnomAD). Based on the supporting evidence, this alteration is interpreted as a disease-causing mutation.

Labcorp Genetics (formerly Invitae), Labcorp
Classification: Pathogenic. Last evaluated: 2021-05-25. Review status: criteria provided, single submitter. Criteria: Invitae Variant Classification Sherloc (09022015). Collection method: clinical testing. Allele origin: germline.
Comment: For these reasons, this variant has been classified as Pathogenic. An experimental study has shown that this variant results in decreased fumarate hydratase enzyme activity in vitro (PMID: 16597677). This variant has been reported to segregate with disease in a family affected with hereditary leiomyomatosis and renal cell cancer (PMID: 16597677). This variant is referred to as 138+1G>A in the literature. This sequence change affects a donor splice site in intron 2 of the FH gene. It is expected to disrupt mRNA splicing and likely results in an absent or disrupted protein product.

Revvity Omics, Revvity
Classification: Pathogenic. Last evaluated: 2020-02-06. Review status: criteria provided, single submitter. Criteria: ACMG Guidelines, 2015. Collection method: clinical testing. Allele origin: germline.

Genomic Diagnostic Laboratory, Division of Genomic Diagnostics, Children's Hospital of Philadelphia
Classification: Pathogenic for Hereditary leiomyomatosis and renal cell cancer. Last evaluated: 2017-01-17. Review status: criteria provided, single submitter. Criteria: DGD Variant Analysis Guidelines. Collection method: clinical testing. Allele origin: germline. Affected: yes. Observed: 2 variant alleles.
Comment: Clinical Testing

Literature cited by the submitters: PubMed 15937070 (cited by Ambry Genetics); PubMed 16597677 (cited by Ambry Genetics and Labcorp Genetics (formerly Invitae), Labcorp); PubMed 31444830 (cited by Ambry Genetics).

NM_000143.4(FH):c.267+1G>C

Gene: FH (fumarate hydratase; minus strand). Cytogenetic location: 1q43.
Variant type: single nucleotide variant.
Coding change: c.267+1G>C on transcript NM_000143.4 (MANE Select); the canonical splice donor site of the intron after coding-DNA position 267, G replaced by C.
Molecular consequence: splice donor variant.
Genome position (GRCh38, 1-based): chr1:241,517,181, C>G on the plus strand (G>C on the coding strand, the complement: FH is on the minus strand). VCF-style: chr1-241517181-C-G. GRCh37 (hg19) VCF-style: chr1-241680481-C-G.
Identifiers: ClinVar variation 237112 (VCV000237112.18), dbSNP rs878853691, ClinGen allele CA10581786.